The following is an entry in ClinVar:

ClinVar aggregate classification (germline): Conflicting classifications of pathogenicity. Review status: criteria provided, conflicting classifications (1 of 4 stars). 3 submissions from 3 submitters: Uncertain significance (2); Likely benign (1). Last evaluated 2025-08-20.

Conditions:
Inborn genetic diseases. Identifiers: MedGen C0950123, MeSH D030342.
Familial juvenile hyperuricemic nephropathy type 1 (ADTKD1). Also called: Autosomal Dominant Tubulointerstitial Kidney Disease – UMOD; UMOD-Associated Kidney Disease; Uromodulin-associated kidney disease; Glomerulocystic kidney disease with hyperuricemia and isosthenuria; Medullary cystic kidney disease 2. Identifiers: Orphanet 209886, Orphanet 34149, Orphanet 88950, MedGen C4551496, MONDO:0008073, OMIM 162000.

gnomAD v4.1: 15 of 1,614,100 alleles (0.00093%); highest among the groups gnomAD compares: African/African-American, 0.017%; no homozygotes.

Submissions (3):

Ambry Genetics
Classification: Likely benign for Inborn genetic diseases. Last evaluated: 2025-08-20. Review status: criteria provided, single submitter. Criteria: Ambry Variant Classification Scheme 2023. Collection method: clinical testing. Allele origin: germline.

Labcorp Genetics (formerly Invitae), Labcorp
Classification: Uncertain significance. Last evaluated: 2024-02-21. Review status: criteria provided, single submitter. Criteria: Invitae Variant Classification Sherloc (09022015). Collection method: clinical testing. Allele origin: germline.
Comment: This sequence change replaces aspartic acid, which is acidic and polar, with glutamic acid, which is acidic and polar, at codon 303 of the UMOD protein (p.Asp303Glu). This variant is present in population databases (no rsID available, gnomAD 0.02%). This variant has not been reported in the literature in individuals affected with UMOD-related conditions. Advanced modeling of protein sequence and biophysical properties (such as structural, functional, and spatial information, amino acid conservation, physicochemical variation, residue mobility, and thermodynamic stability) performed at Invitae indicates that this missense variant is not expected to disrupt UMOD protein function with a negative predictive value of 95%. In summary, the available evidence is currently insufficient to determine the role of this variant in disease. Therefore, it has been classified as a Variant of Uncertain Significance.

Fulgent Genetics
Classification: Uncertain significance for Familial juvenile hyperuricemic nephropathy type 1. Last evaluated: 2024-01-29. Review status: criteria provided, single submitter. Criteria: ACMG Guidelines, 2015. Collection method: clinical testing. Allele origin: germline.

NM_003361.4(UMOD):c.909C>A (p.Asp303Glu)

Gene: UMOD (uromodulin; minus strand). Cytogenetic location: 16p12.3.
Variant type: single nucleotide variant.
Coding change: c.909C>A on transcript NM_003361.4 (MANE Select); coding-DNA position 909, C replaced by A.
Protein change: p.Asp303Glu; replaces aspartic acid 303 with glutamic acid.
Molecular consequence: missense variant. On other transcripts: non-coding transcript variant (1).
Genome position (GRCh38, 1-based): chr16:20,348,287, G>T on the plus strand (C>A on the coding strand, the complement: UMOD is on the minus strand). VCF-style: chr16-20348287-G-T. GRCh37 (hg19) VCF-style: chr16-20359609-G-T.
Other names: c.909C>A, p.Asp303Glu (NM_001008389.3, NM_001378232.1, NM_001378233.1 and 3 more transcripts); c.1008C>A, p.Asp336Glu (NM_001278614.2); c.909C>A (NM_003361.2); short protein forms D303E, D336E.
Identifiers: ClinVar variation 2967628 (VCV002967628.5), dbSNP rs1002670314, ClinGen allele CA279299317.